The following is an entry in ClinVar:

NM_003803.4(MYOM1):c.2087G>T (p.Arg696Leu)

Gene: MYOM1 (myomesin 1; minus strand). Cytogenetic location: 18p11.31.
Variant type: single nucleotide variant.
Coding change: c.2087G>T on transcript NM_003803.4 (MANE Select); coding-DNA position 2087, G replaced by T.
Protein change: p.Arg696Leu; replaces arginine 696 with leucine.
Molecular consequence: missense variant.
Genome position (GRCh38, 1-based): chr18:3,135,669, C>A on the plus strand (G>T on the coding strand, the complement: MYOM1 is on the minus strand). VCF-style: chr18-3135669-C-A. GRCh37 (hg19) VCF-style: chr18-3135667-C-A.
Other names: c.2087G>T, p.Arg696Leu (NM_019856.2); short protein forms R696L.
Identifiers: ClinVar variation 2190596 (VCV002190596.4), dbSNP rs767192545, ClinGen allele CA8874747.
Genomic context (GRCh38, chr18:3,135,669, plus strand): 5'-TTAGAACAGCGGACACGGAAACAGTAGGATTTCCCCTCGGCCAAGTCAAACAGAGCAAAG[C>A]GGGGAGACTTCACAGGGAGCTCCGTGTTCACTCGCTGCCAGTTTTCTGTTCCTGCCTCAC-3'
Protein context (NP_003794.3, residues 686-706): VNTELPVKSP[Arg696Leu]FALFDLAEGK

ClinVar aggregate classification (germline): Uncertain significance (1 of 4 stars; one submission).

Conditions:
Hypertrophic cardiomyopathy. Also called: HYPERTROPHIC MYOCARDIOPATHY. Identifiers: Orphanet 217569, MedGen C0007194, MeSH D002312, MONDO:0005045, HP:0001639.

gnomAD v4.1: 9 of 1,613,928 alleles (0.00056%); highest among the groups gnomAD compares: Admixed American, 0.0067%; no homozygotes.

Submission:

Labcorp Genetics (formerly Invitae), Labcorp
Classification: Uncertain significance for Hypertrophic cardiomyopathy. Last evaluated: 2024-02-05. Review status: criteria provided, single submitter. Criteria: Invitae Variant Classification Sherloc (09022015). Collection method: clinical testing. Allele origin: germline.
Comment: This sequence change replaces arginine, which is basic and polar, with leucine, which is neutral and non-polar, at codon 696 of the MYOM1 protein (p.Arg696Leu). This variant is present in population databases (rs767192545, gnomAD 0.009%). This variant has not been reported in the literature in individuals affected with MYOM1-related conditions. ClinVar contains an entry for this variant (Variation ID: 2190596). Advanced modeling of protein sequence and biophysical properties (such as structural, functional, and spatial information, amino acid conservation, physicochemical variation, residue mobility, and thermodynamic stability) performed at Invitae indicates that this missense variant is expected to disrupt MYOM1 protein function with a positive predictive value of 80%. In summary, the available evidence is currently insufficient to determine the role of this variant in disease. Therefore, it has been classified as a Variant of Uncertain Significance.